The following is an entry in ClinVar:

NM_032119.4(ADGRV1):c.6248T>G (p.Leu2083Ter)

Gene: ADGRV1 (adhesion G protein-coupled receptor V1; plus strand). Cytogenetic location: 5q14.3.
Variant type: single nucleotide variant.
Coding change: c.6248T>G on transcript NM_032119.4 (MANE Select); coding-DNA position 6248, T replaced by G.
Protein change: p.Leu2083Ter; replaces leucine 2083 with a stop codon.
Molecular consequence: nonsense. On other transcripts: non-coding transcript variant (1).
Genome position (GRCh38, 1-based): chr5:90,684,169, T>G. VCF-style: chr5-90684169-T-G. GRCh37 (hg19) VCF-style: chr5-89979986-T-G.
Other names: short protein forms L2083*.
Identifiers: ClinVar variation 2813448 (VCV002813448.3), dbSNP rs1173328630, ClinGen allele CA360414448.
Genomic context (GRCh38, chr5:90,684,169, plus strand): 5'-TGGATGATGATGAGCCAGAAAGGTCCGAATCTGTCTTTATCGAACTACTCAACTCTACTT[T>G]AGTAGCGAAAGTACAGAGTCGTTCAAGTAAGTATCCCTTAGTGTGTTATTATTATTATTA-3'

ClinVar aggregate classification (germline): Pathogenic (1 of 4 stars; one submission).

Allele frequency attached by ClinVar (database versions not stated): TOPMed below 0.00001; gnomAD 0.00001.
gnomAD v4.1: 1 of 1,612,796 alleles (0.000062%); highest among the groups gnomAD compares: African/African-American, 0.0013%; no homozygotes.

Submission:

Labcorp Genetics (formerly Invitae), Labcorp
Classification: Pathogenic. Last evaluated: 2022-11-10. Review status: criteria provided, single submitter. Criteria: Invitae Variant Classification Sherloc (09022015). Collection method: clinical testing. Allele origin: germline.
Comment: This sequence change creates a premature translational stop signal (p.Leu2083*) in the ADGRV1 gene. It is expected to result in an absent or disrupted protein product. Loss-of-function variants in ADGRV1 are known to be pathogenic (PMID: 19357117, 22135276, 22147658, 26226137, 30718709, 31047384, 32467589). This variant is present in population databases (no rsID available, gnomAD 0.007%). This variant has not been reported in the literature in individuals affected with ADGRV1-related conditions. For these reasons, this variant has been classified as Pathogenic.

Literature cited by the submitters: PubMed 19357117; PubMed 22135276; PubMed 22147658; PubMed 26226137; PubMed 30718709; PubMed 31047384; PubMed 32467589.